The following is an entry in ClinVar:

ClinVar aggregate classification (germline): Likely benign. Review status: criteria provided, multiple submitters, no conflicts (2 of 4 stars). 3 submissions from 3 submitters: Likely benign (2). 1 of the submissions does not count toward it. Last evaluated 2026-01-05.

Conditions:
PHYH-related disorder. Also called: PHYH-related condition.

Allele frequency attached by ClinVar (database versions not stated): gnomAD exomes 0.00001 and 0.00003; ExAC 0.00002; TOPMed 0.00003; gnomAD 0.00004.
gnomAD v4.1: 70 of 1,614,026 alleles (0.0043%); highest among the groups gnomAD compares: East Asian, 0.027%; no homozygotes.

Submissions (3):

Labcorp Genetics (formerly Invitae), Labcorp
Classification: Likely benign. Last evaluated: 2026-01-05. Review status: criteria provided, single submitter. Criteria: Invitae Variant Classification Sherloc (09022015). Collection method: clinical testing. Allele origin: germline.

Blueprint Genetics
Classification: Likely benign. Last evaluated: 2024-11-27. Review status: criteria provided, single submitter. Criteria: ACMG Guidelines, 2015. Collection method: clinical testing. Allele origin: germline.

PreventionGenetics, part of Exact Sciences
Classification: Likely benign for PHYH-related condition. Last evaluated: 2019-05-23. Review status: no assertion criteria provided. Collection method: clinical testing. Allele origin: germline. Not counted in ClinVar's aggregate classification.
Comment: This variant is classified as likely benign based on ACMG/AMP sequence variant interpretation guidelines (Richards et al. 2015 PMID: 25741868, with internal and published modifications).

NM_006214.4(PHYH):c.360G>A (p.Lys120=)

Gene: PHYH (phytanoyl-CoA 2-hydroxylase; minus strand). Cytogenetic location: 10p13.
Variant type: single nucleotide variant.
Coding change: c.360G>A on transcript NM_006214.4 (MANE Select); coding-DNA position 360, G replaced by A.
Protein change: p.Lys120=; no amino-acid change (lysine 120 retained).
Molecular consequence: synonymous variant.
Genome position (GRCh38, 1-based): chr10:13,294,482, C>T on the plus strand (G>A on the coding strand, the complement: PHYH is on the minus strand). VCF-style: chr10-13294482-C-T. GRCh37 (hg19) VCF-style: chr10-13336482-C-T.
Other names: c.60G>A, p.Lys20= (NM_001037537.2, NM_001323080.2, NM_001323084.2); c.360G>A, p.Lys120= (NM_001323082.2, NM_001323083.2).
Identifiers: ClinVar variation 730693 (VCV000730693.13), dbSNP rs373346799, ClinGen allele CA5412400.